The following is an entry in ClinVar:

ClinVar aggregate classification (germline): Uncertain significance. Review status: criteria provided, multiple submitters, no conflicts (2 of 4 stars). 2 submissions from 2 submitters: Uncertain significance (2). Last evaluated 2024-04-01.

Conditions:
Congenital contractural arachnodactyly (CCA). Also called: Arthrogryposis, distal, type 9; BEALS SYNDROME; Beals-Hecht syndrome. Identifiers: Orphanet 115, MedGen C0220668, MONDO:0007363, OMIM 121050.

gnomAD v4.1: 11 of 1,607,280 alleles (0.00068%); highest among the groups gnomAD compares: Non-Finnish European, 0.00076%; no homozygotes.

Submissions (2):

CeGaT Center for Human Genetics Tuebingen
Classification: Uncertain significance. Last evaluated: 2024-04-01. Review status: criteria provided, single submitter. Criteria: CeGaT Center For Human Genetics Tuebingen Variant Classification Criteria Version 2. Collection method: clinical testing. Allele origin: germline. Affected: yes. Observed: 1 variant allele.
Comment: FBN2: PM2

Labcorp Genetics (formerly Invitae), Labcorp
Classification: Uncertain significance for Congenital contractural arachnodactyly. Last evaluated: 2023-09-03. Review status: criteria provided, single submitter. Criteria: Invitae Variant Classification Sherloc (09022015). Collection method: clinical testing. Allele origin: germline.
Comment: This sequence change replaces threonine, which is neutral and polar, with arginine, which is basic and polar, at codon 51 of the FBN2 protein (p.Thr51Arg). This variant is not present in population databases (gnomAD no frequency). This variant has not been reported in the literature in individuals affected with FBN2-related conditions. ClinVar contains an entry for this variant (Variation ID: 411833). Advanced modeling of protein sequence and biophysical properties (such as structural, functional, and spatial information, amino acid conservation, physicochemical variation, residue mobility, and thermodynamic stability) performed at Invitae indicates that this missense variant is not expected to disrupt FBN2 protein function. In summary, the available evidence is currently insufficient to determine the role of this variant in disease. Therefore, it has been classified as a Variant of Uncertain Significance.

NM_001999.4(FBN2):c.152C>G (p.Thr51Arg)

Gene: FBN2 (fibrillin 2; minus strand). Cytogenetic location: 5q23.3.
Variant type: single nucleotide variant.
Coding change: c.152C>G on transcript NM_001999.4 (MANE Select); coding-DNA position 152, C replaced by G.
Protein change: p.Thr51Arg; replaces threonine 51 with arginine.
Molecular consequence: missense variant.
Genome position (GRCh38, 1-based): chr5:128,537,452, G>C on the plus strand (C>G on the coding strand, the complement: FBN2 is on the minus strand). VCF-style: chr5-128537452-G-C. GRCh37 (hg19) VCF-style: chr5-127873145-G-C.
Other names: short protein forms T51R.
Identifiers: ClinVar variation 411833 (VCV000411833.29), dbSNP rs1060503509, ClinGen allele CA16611911.